The following is an entry in ClinVar:

ClinVar aggregate classification (germline): Uncertain significance. Review status: criteria provided, multiple submitters, no conflicts (2 of 4 stars). 2 submissions from 2 submitters: Uncertain significance (2). Last evaluated 2026-02-17.

Conditions:
RDH12-related disorder. Also called: RDH12-related condition; RDH12-related disorders.
Inborn genetic diseases. Identifiers: MedGen C0950123, MeSH D030342.

gnomAD v4.1: 12 of 1,613,944 alleles (0.00074%); highest among the groups gnomAD compares: Non-Finnish European, 0.001%; no homozygotes.

Submissions (2):

PreventionGenetics, part of Exact Sciences
Classification: Uncertain significance for RDH12-related condition. Last evaluated: 2026-02-17. Review status: criteria provided, single submitter. Criteria: ACMG Guidelines, 2015. Collection method: clinical testing. Allele origin: germline.
Comment: The RDH12 c.143A>G variant is predicted to result in the amino acid substitution p.Asn48Ser. To our knowledge, this variant has not been reported in the literature or in a large population database (gnomAD), indicating this variant is rare. At this time, the clinical significance of this variant is uncertain due to the absence of conclusive functional and genetic evidence.

Ambry Genetics
Classification: Uncertain significance for Inborn genetic diseases. Last evaluated: 2024-12-25. Review status: criteria provided, single submitter. Criteria: Ambry Variant Classification Scheme 2023. Collection method: clinical testing. Allele origin: germline.

NM_152443.3(RDH12):c.143A>G (p.Asn48Ser)

Genes: GPHN (gephyrin; plus strand), RDH12 (retinol dehydrogenase 12; plus strand). Cytogenetic location: 14q24.1.
Variant type: single nucleotide variant.
Coding change: c.143A>G on transcript NM_152443.3 (MANE Select); coding-DNA position 143, A replaced by G.
Protein change: p.Asn48Ser; replaces asparagine 48 with serine.
Molecular consequence: missense variant.
Genome position (GRCh38, 1-based): chr14:67,724,547, A>G. VCF-style: chr14-67724547-A-G. GRCh37 (hg19) VCF-style: chr14-68191264-A-G.
Other names: short protein forms N48S.
Identifiers: ClinVar variation 3787844 (VCV003787844.2).